The following is an entry in ClinVar:

NM_000179.3(MSH6):c.4082_*8dup (p.Ter1361=)

Gene: MSH6 (mutS homolog 6; plus strand). Cytogenetic location: 2p16.3.
Variant type: Duplication.
Coding change: c.4082_*8dup on transcript NM_000179.3 (MANE Select); coding-DNA position 4082 through 8 bases downstream of the stop codon, 10 bases duplicated (AGACTGACTA; older notation c.4082_*8dupAGACTGACTA).
Protein change: p.Ter1361=.
Molecular consequence: no sequence alteration.
Genome position (GRCh38, 1-based): chr2:47,806,859-47,806,868, AGACTGACTA duplicated. VCF-style (leftmost placement, unchanged base first): chr2-47806858-T-TAGACTGACTA. GRCh37 (hg19) VCF-style: chr2-48033997-T-TAGACTGACTA.
Other names: c.3692_*8dup, p.Ter1231= (NM_001281492.2); c.3176_*8dup, p.Ter1059= (NM_001281493.2, NM_001281494.2).
Identifiers: ClinVar variation 1317417 (VCV001317417.11), dbSNP rs2104586653, ClinGen allele CA2573051978.
Genomic context (GRCh38, chr2:47,806,858, plus strand): 5'-GAAAGGTCAACTGTAGATGCTGAAGCTGTCCATAAATTGCTGACTTTGATTAAGGAATTA[T>TAGACTGACTA]AGACTGACTACATTGGAAGCTTTGAGTTGACTTCTGACAAAGGTGGTAAATTCAGACAAC-3'

ClinVar aggregate classification (germline): Conflicting classifications of pathogenicity. Review status: criteria provided, conflicting classifications (1 of 4 stars). 4 submissions from 4 submitters: Uncertain significance (3); Benign (1). Last evaluated 2025-10-13.

Conditions:
Hereditary nonpolyposis colorectal neoplasms. Identifiers: MedGen C0009405, MeSH D003123.
Hereditary cancer-predisposing syndrome. Also called: Hereditary neoplastic syndrome; Neoplastic Syndromes, Hereditary; Tumor predisposition; Hereditary Cancer Syndrome. Identifiers: Orphanet 140162, MedGen C0027672, MeSH D009386, MONDO:0015356.
Lynch syndrome 5 (LYNCH5). Also called: Colorectal cancer, hereditary nonpolyposis, type 5; Hereditary non-polyposis colorectal cancer, type 5. Identifiers: Orphanet 144, MedGen C1833477, MONDO:0013710, OMIM 614350. Disease mechanism: loss of function.

Submissions (4):

Labcorp Genetics (formerly Invitae), Labcorp
Classification: Uncertain significance for Hereditary nonpolyposis colorectal neoplasms. Last evaluated: 2025-10-13. Review status: criteria provided, single submitter. Criteria: Invitae Variant Classification Sherloc (09022015). Collection method: clinical testing. Allele origin: germline.
Comment: This variant occurs in a non-coding region of the MSH6 gene. It does not change the encoded amino acid sequence of the MSH6 protein. This variant is not present in population databases (gnomAD no frequency). This variant has not been reported in the literature in individuals affected with MSH6-related conditions. ClinVar contains an entry for this variant (Variation ID: 1317417). Experimental studies and prediction algorithms are not available or were not evaluated, and the functional significance of this variant is currently unknown. In summary, the available evidence is currently insufficient to determine the role of this variant in disease. Therefore, it has been classified as a Variant of Uncertain Significance.

Myriad Genetics, Inc.
Classification: Benign for Lynch syndrome 5. Last evaluated: 2025-01-09. Review status: criteria provided, single submitter. Criteria: Myriad Autosomal Dominant, Autosomal Recessive and X-Linked Classification Criteria (2023). Collection method: clinical testing. Allele origin: unknown.
Comment: This variant is considered benign. This variant occurs in the non-coding 3' untranslated region of the gene, and is not expected to impact protein function.

GeneDx
Classification: Uncertain significance. Last evaluated: 2024-02-06. Review status: criteria provided, single submitter. Criteria: GeneDx Variant Classification Process June 2021. Collection method: clinical testing. Allele origin: germline. Affected: yes.
Comment: Describes a 10 base pair duplication of part of the termination codon and the downstream bases in the 3' untranslated region (3'UTR); Not observed at significant frequency in large population cohorts (gnomAD); Has not been previously published as pathogenic or benign to our knowledge

Color Diagnostics, LLC DBA Color Health
Classification: Uncertain significance for Hereditary cancer-predisposing syndrome. Last evaluated: 2022-12-21. Review status: criteria provided, single submitter. Criteria: ACMG Guidelines, 2015. Collection method: clinical testing. Allele origin: germline.
Comment: This variant is located in the 3' untranslated region of the MSH6 gene. To our knowledge, functional studies have not been reported for this variant. This variant has not been reported in individuals affected with MSH6-associated disease in the literature. This variant has not been identified in the general population by the Genome Aggregation Database (gnomAD). The available evidence is insufficient to determine the role of this variant in disease conclusively. Therefore, this variant is classified as a Variant of Uncertain Significance.